The following is an entry in ClinVar:

ClinVar aggregate classification (germline): Benign. Review status: criteria provided, multiple submitters, no conflicts (2 of 4 stars). 7 submissions from 7 submitters: Benign (6). 1 of the submissions does not count toward it. Last evaluated 2026-02-02.

Conditions:
LARS2-related disorder. Also called: LARS2-related condition.

Allele frequency attached by ClinVar (database versions not stated): ESP Exome Variant Server 0.00031; gnomAD 0.00217 and 0.00318; gnomAD exomes 0.00294 and 0.00616; TOPMed 0.00313; ExAC 0.00650; 1000 Genomes Project 30x 0.01577; 1000 Genomes Project 0.01697.
gnomAD v4.1: 4,805 of 1,609,898 alleles (0.3%); highest among the groups gnomAD compares: East Asian, 9.2%; 216 homozygotes.

Submissions (7):

Labcorp Genetics (formerly Invitae), Labcorp
Classification: Benign. Last evaluated: 2026-02-02. Review status: criteria provided, single submitter. Criteria: Invitae Variant Classification Sherloc (09022015). Collection method: clinical testing. Allele origin: germline.

Mayo Clinic Laboratories, Mayo Clinic
Classification: Benign. Last evaluated: 2019-01-02. Review status: criteria provided, single submitter. Criteria: ACMG Guidelines, 2015. Collection method: clinical testing. Allele origin: germline. Observed: 4 variant alleles.

ARUP Laboratories, Molecular Genetics and Genomics, ARUP Laboratories
Classification: Benign. Last evaluated: 2018-03-05. Review status: criteria provided, single submitter. Criteria: ARUP Molecular Germline Variant Investigation Process. Collection method: clinical testing. Allele origin: germline.

GeneDx
Classification: Benign. Last evaluated: 2016-10-12. Review status: criteria provided, single submitter. Criteria: GeneDx Variant Classification (06012015). Collection method: clinical testing. Allele origin: germline. Affected: yes.
Comment: This variant is considered likely benign or benign based on one or more of the following criteria: it is a conservative change, it occurs at a poorly conserved position in the protein, it is predicted to be benign by multiple in silico algorithms, and/or has population frequency not consistent with disease.

Laboratory for Molecular Medicine, Mass General Brigham Personalized Medicine
Classification: Benign. Last evaluated: 2014-11-24. Review status: criteria provided, single submitter. Criteria: LMM Criteria. Collection method: clinical testing. Allele origin: germline. Observed: 13 variant alleles.
Comment: Ala849Ala in exon 22 of LARS2: This variant is not expected to have clinical sig nificance because it does not alter an amino acid residue and is not located wit hin the splice consensus sequence. It has been identified in 10.1% (18/178) of J apanese chromosomes from a broad population by the 1000 Genomes Project (dbSNP rs78587006).

Breakthrough Genomics
Classification: Benign. Review status: criteria provided, single submitter. Criteria: ACMG Guidelines, 2015. Collection method: not provided. Allele origin: germline. Inheritance: Autosomal recessive inheritance. Affected: yes.

PreventionGenetics, part of Exact Sciences
Classification: Benign for LARS2-related condition. Last evaluated: 2019-03-20. Review status: no assertion criteria provided. Collection method: clinical testing. Allele origin: germline. Not counted in ClinVar's aggregate classification.
Comment: This variant is classified as benign based on ACMG/AMP sequence variant interpretation guidelines (Richards et al. 2015 PMID: 25741868, with internal and published modifications).

NM_015340.4(LARS2):c.2547T>C (p.Ala849=)

Gene: LARS2 (leucyl-tRNA synthetase 2, mitochondrial; plus strand). Cytogenetic location: 3p21.31.
Variant type: single nucleotide variant.
Coding change: c.2547T>C on transcript NM_015340.4 (MANE Select); coding-DNA position 2547, T replaced by C.
Protein change: p.Ala849=; no amino-acid change (alanine 849 retained).
Molecular consequence: synonymous variant.
Genome position (GRCh38, 1-based): chr3:45,547,365, T>C. VCF-style: chr3-45547365-T-C. GRCh37 (hg19) VCF-style: chr3-45588857-T-C.
Other names: p.Ala849=; c.2547T>C, p.Ala849= (NM_001368263.1).
Identifiers: ClinVar variation 226705 (VCV000226705.24), dbSNP rs78587006, ClinGen allele CA2349939.